The following is an entry in ClinVar:

NM_000179.3(MSH6):c.3644T>C (p.Leu1215Ser)

Gene: MSH6 (mutS homolog 6; plus strand). Cytogenetic location: 2p16.3.
Variant type: single nucleotide variant.
Coding change: c.3644T>C on transcript NM_000179.3 (MANE Select); coding-DNA position 3644, T replaced by C.
Protein change: p.Leu1215Ser; replaces leucine 1215 with serine.
Molecular consequence: missense variant.
Genome position (GRCh38, 1-based): chr2:47,805,705, T>C. VCF-style: chr2-47805705-T-C. GRCh37 (hg19) VCF-style: chr2-48032844-T-C.
Other names: c.3254T>C, p.Leu1085Ser (NM_001281492.2); c.2738T>C, p.Leu913Ser (NM_001281493.2, NM_001281494.2, NM_001406811.1 and 6 more transcripts); c.3740T>C, p.Leu1247Ser (NM_001406795.1, NM_001406802.1); c.3644T>C, p.Leu1215Ser (NM_001406796.1, NM_001406800.1, NM_001406808.1 and 1 more transcripts); c.3347T>C, p.Leu1116Ser (NM_001406797.1, NM_001406801.1, NM_001406805.1 and 10 more transcripts); c.3470T>C, p.Leu1157Ser (NM_001406798.1); c.3119T>C, p.Leu1040Ser (NM_001406799.1, NM_001406806.1, NM_001406807.1); c.2780T>C, p.Leu927Ser (NM_001406803.1); and 7 more; short protein forms L1116S, L1189S, L1215S, L1247S, L142S, L913S, L1085S, L1157S.
Identifiers: ClinVar variation 1733543 (VCV001733543.2), dbSNP rs2104526529, ClinGen allele CA346760631.

ClinVar aggregate classification (germline): Uncertain significance (1 of 4 stars; one submission).

Conditions:
Hereditary cancer-predisposing syndrome. Also called: Neoplastic Syndromes, Hereditary; Tumor predisposition; Hereditary Cancer Syndrome; Hereditary neoplastic syndrome. Identifiers: Orphanet 140162, MedGen C0027672, MeSH D009386, MONDO:0015356.

Submission:

Ambry Genetics
Classification: Uncertain significance for Hereditary cancer-predisposing syndrome. Last evaluated: 2022-01-19. Review status: criteria provided, single submitter. Criteria: Ambry Variant Classification Scheme 2023. Collection method: clinical testing. Allele origin: germline.
Comment: The p.L1215S variant (also known as c.3644T>C), located in coding exon 7 of the MSH6 gene, results from a T to C substitution at nucleotide position 3644. The leucine at codon 1215 is replaced by serine, an amino acid with dissimilar properties. This amino acid position is conserved. In addition, this alteration is predicted to be deleterious by in silico analysis. Since supporting evidence is limited at this time, the clinical significance of this alteration remains unclear.